The following is an entry in ClinVar:

ClinVar aggregate classification (germline): Uncertain significance. Review status: criteria provided, single submitter (1 of 4 stars). 2 submissions from 2 submitters: Uncertain significance (1). 1 of the submissions does not count toward it. Last evaluated 2024-04-16.

Conditions:
KMT2D-related disorder. Also called: KMT2D-Related Disorders.
Kabuki syndrome. Also called: NIIKAWA-KUROKI SYNDROME; Kabuki make-up syndrome. Identifiers: Orphanet 2322, MedGen C0796004, MONDO:0016512.

Submissions (2):

Labcorp Genetics (formerly Invitae), Labcorp
Classification: Uncertain significance for Kabuki syndrome. Last evaluated: 2024-04-16. Review status: criteria provided, single submitter. Criteria: Invitae Variant Classification Sherloc (09022015). Collection method: clinical testing. Allele origin: germline.
Comment: This sequence change replaces glutamic acid, which is acidic and polar, with glycine, which is neutral and non-polar, at codon 3211 of the KMT2D protein (p.Glu3211Gly). This variant is not present in population databases (gnomAD no frequency). This variant has not been reported in the literature in individuals affected with KMT2D-related conditions. Advanced modeling of protein sequence and biophysical properties (such as structural, functional, and spatial information, amino acid conservation, physicochemical variation, residue mobility, and thermodynamic stability) performed at Invitae indicates that this missense variant is not expected to disrupt KMT2D protein function with a negative predictive value of 95%. In summary, the available evidence is currently insufficient to determine the role of this variant in disease. Therefore, it has been classified as a Variant of Uncertain Significance.

PreventionGenetics, part of Exact Sciences
Classification: Uncertain significance for KMT2D-related condition. Last evaluated: 2024-05-29. Review status: no assertion criteria provided. Collection method: clinical testing. Allele origin: germline. Not counted in ClinVar's aggregate classification.
Comment: The KMT2D c.9632A>G variant is predicted to result in the amino acid substitution p.Glu3211Gly. To our knowledge, this variant has not been reported in the literature or in a large population database, indicating this variant is rare. At this time, the clinical significance of this variant is uncertain due to the absence of conclusive functional and genetic evidence.

NM_003482.4(KMT2D):c.9632A>G (p.Glu3211Gly)

Gene: KMT2D (lysine methyltransferase 2D; minus strand). Cytogenetic location: 12q13.12.
Variant type: single nucleotide variant.
Coding change: c.9632A>G on transcript NM_003482.4 (MANE Select); coding-DNA position 9632, A replaced by G.
Protein change: p.Glu3211Gly; replaces glutamic acid 3211 with glycine.
Molecular consequence: missense variant.
Genome position (GRCh38, 1-based): chr12:49,037,724, T>C on the plus strand (A>G on the coding strand, the complement: KMT2D is on the minus strand). VCF-style: chr12-49037724-T-C. GRCh37 (hg19) VCF-style: chr12-49431507-T-C.
Other names: short protein forms E3211G.
Identifiers: ClinVar variation 3344395 (VCV003344395.3).